The following is an entry in ClinVar:

NM_001291746.2(REL):c.1577A>T (p.Gln526Leu)

Gene: REL (REL proto-oncogene, NF-kB subunit; plus strand). Cytogenetic location: 2p16.1.
Variant type: single nucleotide variant.
Coding change: c.1577A>T on transcript NM_001291746.2 (MANE Select); coding-DNA position 1577, A replaced by T.
Protein change: p.Gln526Leu; replaces glutamine 526 with leucine.
Molecular consequence: missense variant.
Genome position (GRCh38, 1-based): chr2:60,922,348, A>T. VCF-style: chr2-60922348-A-T. GRCh37 (hg19) VCF-style: chr2-61149483-A-T.
Other names: c.1673A>T, p.Gln558Leu (NM_002908.4); short protein forms Q526L, Q558L.
Identifiers: ClinVar variation 2009209 (VCV002009209.4), dbSNP rs970799284, ClinGen allele CA49059201.

ClinVar aggregate classification (germline): Uncertain significance (1 of 4 stars; one submission).

Allele frequency attached by ClinVar (database versions not stated): gnomAD exomes below 0.00001.
gnomAD v4.1: 4 of 1,614,168 alleles (0.00025%); highest among the groups gnomAD compares: Non-Finnish European, 0.00025%; no homozygotes.

Submission:

Labcorp Genetics (formerly Invitae), Labcorp
Classification: Uncertain significance. Last evaluated: 2024-05-22. Review status: criteria provided, single submitter. Criteria: Invitae Variant Classification Sherloc (09022015). Collection method: clinical testing. Allele origin: germline.
Comment: This sequence change replaces glutamine, which is neutral and polar, with leucine, which is neutral and non-polar, at codon 558 of the REL protein (p.Gln558Leu). This variant is present in population databases (no rsID available, gnomAD 0.01%). This variant has not been reported in the literature in individuals affected with REL-related conditions. ClinVar contains an entry for this variant (Variation ID: 2009209). An algorithm developed to predict the effect of missense changes on protein structure and function (PolyPhen-2) suggests that this variant is likely to be disruptive. In summary, the available evidence is currently insufficient to determine the role of this variant in disease. Therefore, it has been classified as a Variant of Uncertain Significance.